The following is an entry in ClinVar:

ClinVar aggregate classification (germline): Uncertain significance (1 of 4 stars; one submission).

gnomAD v4.1: 2 of 1,610,286 alleles (0.00012%); highest among the groups gnomAD compares: Non-Finnish European, 0.00017%; no homozygotes.

Submission:

Labcorp Genetics (formerly Invitae), Labcorp
Classification: Uncertain significance. Last evaluated: 2025-02-03. Review status: criteria provided, single submitter. Criteria: Invitae Variant Classification Sherloc (09022015). Collection method: clinical testing. Allele origin: germline.
Comment: This sequence change replaces serine, which is neutral and polar, with proline, which is neutral and non-polar, at codon 164 of the SPPL2A protein (p.Ser164Pro). This variant is not present in population databases (gnomAD no frequency). This variant has not been reported in the literature in individuals affected with SPPL2A-related conditions. An algorithm developed to predict the effect of missense changes on protein structure and function outputs the following: PolyPhen-2: "Benign". The proline amino acid residue is found in multiple mammalian species, which suggests that this missense change does not adversely affect protein function. In summary, the available evidence is currently insufficient to determine the role of this variant in disease. Therefore, it has been classified as a Variant of Uncertain Significance.

NM_032802.4(SPPL2A):c.490T>C (p.Ser164Pro)

Gene: SPPL2A (signal peptide peptidase like 2A; minus strand). Cytogenetic location: 15q21.2.
Variant type: single nucleotide variant.
Coding change: c.490T>C on transcript NM_032802.4 (MANE Select); coding-DNA position 490, T replaced by C.
Protein change: p.Ser164Pro; replaces serine 164 with proline.
Molecular consequence: missense variant.
Genome position (GRCh38, 1-based): chr15:50,747,589, A>G on the plus strand (T>C on the coding strand, the complement: SPPL2A is on the minus strand). VCF-style: chr15-50747589-A-G. GRCh37 (hg19) VCF-style: chr15-51039786-A-G.
Other names: short protein forms S164P.
Identifiers: ClinVar variation 3729956 (VCV003729956.2).